The following is an entry in ClinVar:

NM_001754.5(RUNX1):c.696del (p.Arg233fs)

Gene: RUNX1 (RUNX family transcription factor 1; minus strand). Cytogenetic location: 21q22.12.
Variant type: Deletion.
Coding change: c.696del on transcript NM_001754.5 (MANE Select); coding-DNA position 696, one base deleted (G; older notation c.696delG).
Protein change: p.Arg233fs; shifts the reading frame from arginine 233.
Molecular consequence: frameshift variant.
Genome position (GRCh38, 1-based): chr21:34,834,519, C deleted on the plus strand (G on the coding strand, the reverse complement: RUNX1 is on the minus strand); the first of 2 consecutive C bases (chr21:34,834,519-34,834,520); deleting either gives the same sequence. VCF-style (leftmost placement, unchanged base first): chr21-34834518-GC-G. GRCh37 (hg19) VCF-style: chr21-36206815-GC-G.
Other names: NM_001754.5:c.696del; c.615del, p.Arg206fs (NM_001001890.3, NM_001122607.2); short protein forms R206fs, R233fs.
Identifiers: ClinVar variation 3255395 (VCV003255395.2), dbSNP rs2517040421.
Genomic context (GRCh38, chr21:34,834,518, plus strand): 5'-GGGAGGCACGAGGGTTGGGCGTGGGGGCTGGGTGGTGTGGGCTGACCCTCATGGCTGTGC[GC>G]CGCAGCTGCTCCAGTTCACTGAGCCGCTCGGAAAAGGACAAGCTCCCGGGCTTGGTCTGA-3'

ClinVar aggregate classification (germline): Pathogenic (3 of 4 stars; one submission).

Conditions:
Hereditary thrombocytopenia and hematologic cancer predisposition syndrome. Identifiers: Orphanet 71290, MedGen CN281654, MONDO:0011071.

Submission:

ClinGen Myeloid Malignancy Variant Curation Expert Panel
Classification: Pathogenic for Hereditary thrombocytopenia and hematologic cancer predisposition syndrome. Last evaluated: 2024-03-26. Review status: reviewed by expert panel. Criteria: ClinGen MyeloMalig ACMG Specifications v2. Collection method: curation. Allele origin: germline. Inheritance: Autosomal dominant inheritance.
Comment: NM_001754.5(RUNX1):c.696del (p.Arg233AlafsTer4) is a variant which is predicted to undergo nonsense mediated decay in a gene in which loss-of-function is an established mechanism (frameshift (-) c.98-c.758 as per VCEP specifications) (PVS1). Transactivation assays demonstrating altered transactivation (<20% of wt, and/or reduced to levels similar to well-established pathogenic variants such as R201Q or R166Q) (17.93%) (PS3_moderate). This variant is completely absent from all population databases with at least 20x coverage for RUNX1 (PM2_Supporting). This variant is a nonsense/frameshift variants that is downstream of c.98 (PM5_Supporting). In summary, this variant meets criteria to be classified as pathogenic. ACMG/AMP criteria applied, as specified by the Myeloid Malignancy Variant Curation Expert Panel for RUNX1: PVS1, PS3_moderate, PM2_supporting, and PM5_supporting.

Literature cited by the submitters: PubMed 34166225.